The following is an entry in ClinVar:

ClinVar aggregate classification (germline): Likely benign (1 of 4 stars; one submission).

gnomAD v4.1: 1,186 of 1,536,244 alleles (0.077%); highest among the groups gnomAD compares: Middle Eastern, 0.12%; no homozygotes.

Submission:

CeGaT Center for Human Genetics Tuebingen
Classification: Likely benign. Last evaluated: 2026-03-01. Review status: criteria provided, single submitter. Criteria: CeGaT Center For Human Genetics Tuebingen Variant Classification Criteria Version 2. Collection method: clinical testing. Allele origin: germline. Affected: yes. Observed: 1 variant allele.
Comment: ZFHX2: BP4, BP7

NM_033400.3(ZFHX2):c.834C>T (p.Leu278=)

Genes: THTPA (thiamine triphosphatase; plus strand), ZFHX2 (zinc finger homeobox 2; minus strand). Cytogenetic location: 14q11.2.
Variant type: single nucleotide variant.
Coding change: c.834C>T on transcript NM_033400.3 (MANE Select); coding-DNA position 834, C replaced by T.
Protein change: p.Leu278=; no amino-acid change (leucine 278 retained).
Molecular consequence: synonymous variant.
Genome position (GRCh38, 1-based): chr14:23,534,492, G>A on the plus strand (C>T on the coding strand, the complement: ZFHX2 is on the minus strand). VCF-style: chr14-23534492-G-A. GRCh37 (hg19) VCF-style: chr14-24003701-G-A.
Identifiers: ClinVar variation 4821423 (VCV004821423.4).